The following is an entry in ClinVar:

ClinVar aggregate classification (germline): Likely pathogenic (1 of 4 stars; one submission).

Conditions:
Autosomal recessive limb-girdle muscular dystrophy type 2O. Also called: Limb-Girdle Muscular Dystrophy Type 3C; MUSCULAR DYSTROPHY-DYSTROGLYCANOPATHY (LIMB-GIRDLE), TYPE C, 3; MUSCULAR DYSTROPHY-DYSTROGLYCANOPATHY, LIMB-GIRDLE, POMGNT1-RELATED. Identifiers: Orphanet 206564, MedGen C3150417, MONDO:0013161, OMIM 613157.
Muscular dystrophy-dystroglycanopathy (congenital with impaired intellectual development), type B, 3. Also called: Muscular dystrophy-dystroglycanopathy (congenital with intellectual disability), type B3; MUSCULAR DYSTROPHY, CONGENITAL, POMGNT1-RELATED. Identifiers: MedGen C3150412, MONDO:0013155, OMIM 613151.

Submission:

Labcorp Genetics (formerly Invitae), Labcorp
Classification: Likely pathogenic for Autosomal recessive limb-girdle muscular dystrophy type 2O; Muscular dystrophy-dystroglycanopathy (congenital with impaired intellectual development), type B, 3. Last evaluated: 2021-08-08. Review status: criteria provided, single submitter. Criteria: Invitae Variant Classification Sherloc (09022015). Collection method: clinical testing. Allele origin: germline.
Comment: In summary, the currently available evidence indicates that the variant is pathogenic, but additional data are needed to prove that conclusively. Therefore, this variant has been classified as Likely Pathogenic. Algorithms developed to predict the effect of sequence changes on RNA splicing suggest that this variant may disrupt the consensus splice site. This variant has not been reported in the literature in individuals affected with POMGNT1-related conditions. This variant is not present in population databases (ExAC no frequency). This sequence change affects an acceptor splice site in intron 18 of the POMGNT1 gene. It is expected to disrupt RNA splicing. Variants that disrupt the donor or acceptor splice site typically lead to a loss of protein function (PMID: 16199547), and loss-of-function variants in POMGNT1 are known to be pathogenic (PMID: 19299310, 20816175, 21447391, 26908613, 27391550).

Literature cited by the submitters: PubMed 16199547; PubMed 19299310; PubMed 20816175; PubMed 21447391; PubMed 26908613; PubMed 27391550.

NM_017739.4(POMGNT1):c.1605-1G>T

Genes: POMGNT1 (protein O-linked mannose N-acetylglucosaminyltransferase 1 (beta 1,2-); minus strand), TSPAN1 (tetraspanin 1; plus strand). Cytogenetic location: 1p34.1.
Variant type: single nucleotide variant.
Coding change: c.1605-1G>T on transcript NM_017739.4 (MANE Select); the canonical splice acceptor site of the intron before coding-DNA position 1605, G replaced by T.
Molecular consequence: splice acceptor variant.
Genome position (GRCh38, 1-based): chr1:46,190,518, C>A on the plus strand (G>T on the coding strand, the complement: POMGNT1 is on the minus strand). VCF-style: chr1-46190518-C-A. GRCh37 (hg19) VCF-style: chr1-46656190-C-A.
Other names: c.1605-1G>T (NM_001243766.2, NM_001438686.1, NM_001438688.1 and 3 more transcripts); c.1539-1G>T (NM_001290129.3, NM_001438691.1, NM_001438692.1); c.1176-1G>T (NM_001290130.2).
Identifiers: ClinVar variation 1501555 (VCV001501555.6), dbSNP rs770219373, ClinGen allele CA340171851.